The following is an entry in ClinVar:

ClinVar aggregate classification (germline): Uncertain significance (1 of 4 stars; one submission).

Allele frequency attached by ClinVar (database versions not stated): gnomAD 0.00001; gnomAD exomes 0.00001 and 0.00002; ExAC 0.00002; 1000 Genomes Project 30x 0.00016; 1000 Genomes Project 0.00020.
gnomAD v4.1: 25 of 1,613,448 alleles (0.0015%); highest among the groups gnomAD compares: East Asian, 0.011%; 1 homozygote.

Submission:

Labcorp Genetics (formerly Invitae), Labcorp
Classification: Uncertain significance. Last evaluated: 2025-10-05. Review status: criteria provided, single submitter. Criteria: Invitae Variant Classification Sherloc (09022015). Collection method: clinical testing. Allele origin: germline.
Comment: This sequence change replaces aspartic acid, which is acidic and polar, with asparagine, which is neutral and polar, at codon 179 of the GUCY2C protein (p.Asp179Asn). This variant is present in population databases (rs192356391, gnomAD 0.008%). This variant has not been reported in the literature in individuals affected with GUCY2C-related conditions. ClinVar contains an entry for this variant (Variation ID: 1345870). An algorithm developed to predict the effect of missense changes on protein structure and function outputs the following: PolyPhen-2: "Benign". The asparagine amino acid residue is found in multiple mammalian species, which suggests that this missense change does not adversely affect protein function. In summary, the available evidence is currently insufficient to determine the role of this variant in disease. Therefore, it has been classified as a Variant of Uncertain Significance.

NM_004963.4(GUCY2C):c.535G>A (p.Asp179Asn)

Genes: GUCY2C (guanylate cyclase 2C; minus strand), GUCY2C-AS1 (GUCY2C antisense RNA 1; plus strand). Cytogenetic location: 12p12.3.
Variant type: single nucleotide variant.
Coding change: c.535G>A on transcript NM_004963.4 (MANE Select); coding-DNA position 535, G replaced by A.
Protein change: p.Asp179Asn; replaces aspartic acid 179 with asparagine.
Molecular consequence: missense variant.
Genome position (GRCh38, 1-based): chr12:14,683,118, C>T on the plus strand (G>A on the coding strand, the complement: GUCY2C is on the minus strand). VCF-style: chr12-14683118-C-T. GRCh37 (hg19) VCF-style: chr12-14836052-C-T.
Other names: short protein forms D179N.
Identifiers: ClinVar variation 1345870 (VCV001345870.8), dbSNP rs192356391, ClinGen allele CA6463728.
Genomic context (GRCh38, chr12:14,683,118, plus strand): 5'-TTTCTGTACCATTCTTGTAAACATACGAAGTGCTCCAGGAATAAGTTTTGAAGGGCAGAT[C>T]GTTGGTTTTCCAAAAGTTAACCAAGAAGTACATCAACTTTCTAGCTGGAGACATCAGCCT-3'
Protein context (NP_004954.2, residues 169-189): YFLVNFWKTN[Asp179Asn]LPFKTYSWST